The following is an entry in ClinVar:

ClinVar aggregate classification (germline): Uncertain significance (1 of 4 stars; one submission).

Submission:

Labcorp Genetics (formerly Invitae), Labcorp
Classification: Uncertain significance. Last evaluated: 2022-03-27. Review status: criteria provided, single submitter. Criteria: Invitae Variant Classification Sherloc (09022015). Collection method: clinical testing. Allele origin: germline.
Comment: In summary, the available evidence is currently insufficient to determine the role of this variant in disease. Therefore, it has been classified as a Variant of Uncertain Significance. This variant disrupts a region of the NSUN2 protein in which other variant(s) (p.Gly679Arg) have been observed in individuals with NSUN2-related conditions (PMID: 22541562). This suggests that this is a clinically significant region of the protein, and that variants that disrupt it are likely to be disease-causing. This variant has not been reported in the literature in individuals affected with NSUN2-related conditions. This variant is a gross deletion of the genomic region encompassing exon(s) 13-19 of the NSUN2 gene, which includes the termination codon. This deletion extends beyond the assayed region for this gene and therefore may encompass additional genes. While this deletion is not anticipated to lead to nonsense mediated decay, it is expected to alter mRNA translation or result in a truncated protein product.

Literature cited by the submitters: PubMed 22541562.

NC_000005.9:g.(?_6600039)_(6607517_?)del

Gene: NSUN2 (NOP2/Sun RNA methyltransferase 2; minus strand). Cytogenetic location: 5p15.31.
Variant type: Deletion.
Identifiers: ClinVar variation 2426350 (VCV002426350.4).